The following is an entry in ClinVar:

NM_006080.3(SEMA3A):c.257A>G (p.Lys86Arg)

Gene: SEMA3A (semaphorin 3A; minus strand). Cytogenetic location: 7q21.11.
Variant type: single nucleotide variant.
Coding change: c.257A>G on transcript NM_006080.3 (MANE Select); coding-DNA position 257, A replaced by G.
Protein change: p.Lys86Arg; replaces lysine 86 with arginine.
Molecular consequence: missense variant.
Genome position (GRCh38, 1-based): chr7:84,134,807, T>C on the plus strand (A>G on the coding strand, the complement: SEMA3A is on the minus strand). VCF-style: chr7-84134807-T-C. GRCh37 (hg19) VCF-style: chr7-83764123-T-C.
Other names: short protein forms K86R.
Identifiers: ClinVar variation 2457593 (VCV002457593.4), dbSNP rs748265121, ClinGen allele CA4323075.
Genomic context (GRCh38, chr7:84,134,807, plus strand): 5'-TGAGATGCTTCAAAATAACTATAGTGCATATATTAGAATACTGATACCTTTTGAAAATCC[T>C]TGATATTAACCAGGTCGAATGAAAATATGTGATCCTTTGCTCCAACATACAGCCTACTCC-3'
Protein context (NP_006071.1, residues 76-96): HIFSFDLVNI[Lys86Arg]DFQKIVWPVS

ClinVar aggregate classification (germline): Uncertain significance. Review status: criteria provided, multiple submitters, no conflicts (2 of 4 stars). 3 submissions from 3 submitters: Uncertain significance (3). Last evaluated 2026-07-06.

Conditions:
SEMA3A-related disorder. Also called: SEMA3A-related condition.
Inborn genetic diseases. Identifiers: MedGen C0950123, MeSH D030342.

Allele frequency attached by ClinVar (database versions not stated): ExAC 0.00001; gnomAD exomes 0.00001; TOPMed 0.00001.
gnomAD v4.1: 5 of 1,610,636 alleles (0.00031%); highest among the groups gnomAD compares: Admixed American, 0.0067%; no homozygotes.

Submissions (3):

PreventionGenetics, part of Exact Sciences
Classification: Uncertain significance for SEMA3A-related condition. Last evaluated: 2026-07-06. Review status: criteria provided, single submitter. Criteria: ACMG Guidelines, 2015. Collection method: clinical testing. Allele origin: germline.
Comment: The SEMA3A c.257A>G variant is predicted to result in the amino acid substitution p.Lys86Arg. To our knowledge, this variant has not been reported in the literature. This variant is reported in 0.012% of alleles in individuals of Latino descent in gnomAD. Although we suspect that this variant may be benign, at this time, the clinical significance of this variant is uncertain due to the absence of conclusive functional and genetic evidence.

Labcorp Genetics (formerly Invitae), Labcorp
Classification: Uncertain significance. Last evaluated: 2025-11-25. Review status: criteria provided, single submitter. Criteria: Invitae Variant Classification Sherloc (09022015). Collection method: clinical testing. Allele origin: germline.
Comment: This sequence change replaces lysine, which is basic and polar, with arginine, which is basic and polar, at codon 86 of the SEMA3A protein (p.Lys86Arg). This variant is present in population databases (rs748265121, gnomAD 0.01%). This variant has not been reported in the literature in individuals affected with SEMA3A-related conditions. ClinVar contains an entry for this variant (Variation ID: 2457593). Invitae Evidence Modeling of protein sequence and biophysical properties (such as structural, functional, and spatial information, amino acid conservation, physicochemical variation, residue mobility, and thermodynamic stability) indicates that this missense variant is not expected to disrupt SEMA3A protein function with a negative predictive value of 80%. In summary, the available evidence is currently insufficient to determine the role of this variant in disease. Therefore, it has been classified as a Variant of Uncertain Significance.

Ambry Genetics
Classification: Uncertain significance for Inborn genetic diseases. Last evaluated: 2023-02-14. Review status: criteria provided, single submitter. Criteria: Ambry Variant Classification Scheme 2023. Collection method: clinical testing. Allele origin: germline.